The following is an entry in ClinVar:

ClinVar aggregate classification (germline): Uncertain significance. Review status: criteria provided, multiple submitters, no conflicts (2 of 4 stars). 3 submissions from 3 submitters: Uncertain significance (3). Last evaluated 2024-01-14.

Conditions:
Schimke immuno-osseous dysplasia (SIOD). Also called: Schimke Immunoosseous Dysplasia. Identifiers: Orphanet 1830, MedGen C0877024, MONDO:0009458, OMIM 242900.

Allele frequency attached by ClinVar (database versions not stated): gnomAD 0.00002; TOPMed 0.00003; gnomAD exomes 0.00007; ExAC 0.00010.
gnomAD v4.1: 35 of 1,604,312 alleles (0.0022%); highest among the groups gnomAD compares: Admixed American, 0.03%; no homozygotes.

Submissions (3):

Fulgent Genetics
Classification: Uncertain significance for Schimke immuno-osseous dysplasia. Last evaluated: 2024-01-14. Review status: criteria provided, single submitter. Criteria: ACMG Guidelines, 2015. Collection method: clinical testing. Allele origin: germline.

Labcorp Genetics (formerly Invitae), Labcorp
Classification: Uncertain significance for Schimke immuno-osseous dysplasia. Last evaluated: 2022-09-07. Review status: criteria provided, single submitter. Criteria: Invitae Variant Classification Sherloc (09022015). Collection method: clinical testing. Allele origin: germline.
Comment: This sequence change replaces arginine, which is basic and polar, with glutamine, which is neutral and polar, at codon 586 of the SMARCAL1 protein (p.Arg586Gln). This variant is present in population databases (rs766857853, gnomAD 0.04%). This variant has not been reported in the literature in individuals affected with SMARCAL1-related conditions. ClinVar contains an entry for this variant (Variation ID: 1369159). Algorithms developed to predict the effect of missense changes on protein structure and function are either unavailable or do not agree on the potential impact of this missense change (SIFT: "Deleterious"; PolyPhen-2: "Probably Damaging"; Align-GVGD: "Class C0"). In summary, the available evidence is currently insufficient to determine the role of this variant in disease. Therefore, it has been classified as a Variant of Uncertain Significance.

Revvity Omics, Revvity
Classification: Uncertain significance for Schimke immuno-osseous dysplasia. Last evaluated: 2022-01-22. Review status: criteria provided, single submitter. Criteria: ACMG Guidelines, 2015. Collection method: clinical testing. Allele origin: germline.

NM_014140.4(SMARCAL1):c.1757G>A (p.Arg586Gln)

Gene: SMARCAL1 (SNF2 related chromatin remodeling annealing helicase 1; plus strand). Cytogenetic location: 2q35.
Variant type: single nucleotide variant.
Coding change: c.1757G>A on transcript NM_014140.4 (MANE Select); coding-DNA position 1757, G replaced by A.
Protein change: p.Arg586Gln; replaces arginine 586 with glutamine.
Molecular consequence: missense variant.
Genome position (GRCh38, 1-based): chr2:216,447,064, G>A. VCF-style: chr2-216447064-G-A. GRCh37 (hg19) VCF-style: chr2-217311787-G-A.
Other names: c.1757G>A, p.Arg586Gln (NM_001127207.2); short protein forms R586Q.
Identifiers: ClinVar variation 1369159 (VCV001369159.9), dbSNP rs766857853, ClinGen allele CA2097998.